The following is an entry in ClinVar:

NM_001042492.3(NF1):c.3220G>A (p.Glu1074Lys)

Gene: NF1 (neurofibromin 1; plus strand). Cytogenetic location: 17q11.2.
Variant type: single nucleotide variant.
Coding change: c.3220G>A on transcript NM_001042492.3 (MANE Select); coding-DNA position 3220, G replaced by A.
Protein change: p.Glu1074Lys; replaces glutamic acid 1074 with lysine.
Molecular consequence: missense variant.
Genome position (GRCh38, 1-based): chr17:31,232,095, G>A. VCF-style: chr17-31232095-G-A. GRCh37 (hg19) VCF-style: chr17-29559113-G-A.
Other names: c.3220G>A, p.Glu1074Lys (NM_000267.4); short protein forms E1074K.
Identifiers: ClinVar variation 1729082 (VCV001729082.4), dbSNP rs781567020, ClinGen allele CA8486125.

ClinVar aggregate classification (germline): Uncertain significance. Review status: criteria provided, multiple submitters, no conflicts (2 of 4 stars). 2 submissions from 2 submitters: Uncertain significance (2). Last evaluated 2024-07-22.

Conditions:
Cardiovascular phenotype. Identifiers: MedGen CN230736.
Hereditary cancer-predisposing syndrome. Also called: Tumor predisposition; Neoplastic Syndromes, Hereditary; Hereditary Cancer Syndrome; Hereditary neoplastic syndrome. Identifiers: Orphanet 140162, MedGen C0027672, MeSH D009386, MONDO:0015356.

Allele frequency attached by ClinVar (database versions not stated): ExAC 0.00001.

Submissions (2):

Ambry Genetics
Classification: Uncertain significance for Cardiovascular phenotype; Hereditary cancer-predisposing syndrome. Last evaluated: 2024-07-22. Review status: criteria provided, single submitter. Criteria: Ambry Variant Classification Scheme 2023. Collection method: clinical testing. Allele origin: germline.
Comment: The p.E1074K variant (also known as c.3220G>A), located in coding exon 25 of the NF1 gene, results from a G to A substitution at nucleotide position 3220. The glutamic acid at codon 1074 is replaced by lysine, an amino acid with similar properties. This amino acid position is highly conserved in available vertebrate species. In addition, the in silico prediction for this alteration is inconclusive. Based on the available evidence, the clinical significance of this variant remains unclear.

GeneDx
Classification: Uncertain significance. Last evaluated: 2023-12-13. Review status: criteria provided, single submitter. Criteria: GeneDx Variant Classification Process June 2021. Collection method: clinical testing. Allele origin: germline. Affected: yes.
Comment: In silico analysis supports that this missense variant does not alter protein structure/function; Has not been previously published as pathogenic or benign to our knowledge; This variant is associated with the following publications: (PMID: 2121369, 25486365)